The following is an entry in ClinVar:

ClinVar aggregate classification (germline): Uncertain significance (1 of 4 stars; one submission).

Allele frequency attached by ClinVar (database versions not stated): TOPMed below 0.00001; gnomAD 0.00001.
gnomAD v4.1: 1 of 1,613,760 alleles (0.000062%); highest among the groups gnomAD compares: African/African-American, 0.0013%; no homozygotes.

Submission:

GeneDx
Classification: Uncertain significance. Last evaluated: 2020-01-02. Review status: criteria provided, single submitter. Criteria: GeneDx Variant Classification Process June 2021. Collection method: clinical testing. Allele origin: germline. Affected: yes.
Comment: Not observed in large population cohorts (Lek et al., 2016); In silico analysis, which includes protein predictors and evolutionary conservation, supports a deleterious effect; Has not been previously published as pathogenic or benign to our knowledge

NM_002633.3(PGM1):c.1324A>G (p.Met442Val)

Gene: PGM1 (phosphoglucomutase 1; plus strand). Cytogenetic location: 1p31.3.
Variant type: single nucleotide variant.
Coding change: c.1324A>G on transcript NM_002633.3 (MANE Select); coding-DNA position 1324, A replaced by G.
Protein change: p.Met442Val; replaces methionine 442 with valine.
Molecular consequence: missense variant.
Genome position (GRCh38, 1-based): chr1:63,651,712, A>G. VCF-style: chr1-63651712-A-G. GRCh37 (hg19) VCF-style: chr1-64117383-A-G.
Other names: c.1378A>G, p.Met460Val (NM_001172818.1); c.733A>G, p.Met245Val (NM_001172819.2); short protein forms M245V, M442V, M460V.
Identifiers: ClinVar variation 1311490 (VCV001311490.2), dbSNP rs1270696636, ClinGen allele CA340638601.